The following is an entry in ClinVar:

ClinVar aggregate classification (germline): Pathogenic/Likely pathogenic. Review status: criteria provided, multiple submitters, no conflicts (2 of 4 stars). 5 submissions from 5 submitters: Pathogenic (3); Likely pathogenic (1). 1 of the submissions does not count toward it. Last evaluated 2024-02-29.

Conditions:
Glycogen storage disease type III (GSD3). Also called: FORBES DISEASE; Cori disease. Identifiers: Orphanet 366, MedGen C0017922, MONDO:0009291, OMIM 232400.

Submissions (5):

Baylor Genetics
Classification: Likely pathogenic for Glycogen storage disease type III. Last evaluated: 2024-02-29. Review status: criteria provided, single submitter. Criteria: ACMG Guidelines, 2015. Collection method: clinical testing. Allele origin: unknown.

Labcorp Genetics (formerly Invitae), Labcorp
Classification: Pathogenic for Glycogen storage disease type III. Last evaluated: 2023-03-08. Review status: criteria provided, single submitter. Criteria: Invitae Variant Classification Sherloc (09022015). Collection method: clinical testing. Allele origin: germline.
Comment: For these reasons, this variant has been classified as Pathogenic. Algorithms developed to predict the effect of sequence changes on RNA splicing suggest that this variant may disrupt the consensus splice site. ClinVar contains an entry for this variant (Variation ID: 551333). This variant is also known as c.2455_2458delAAAC. This premature translational stop signal has been observed in individual(s) with glycogen storage disease (PMID: 31508908). This variant is not present in population databases (gnomAD no frequency). This sequence change creates a premature translational stop signal (p.Gln820Leufs*15) in the AGL gene. It is expected to result in an absent or disrupted protein product. Loss-of-function variants in AGL are known to be pathogenic (PMID: 19299494).

Genome-Nilou Lab
Classification: Pathogenic for Glycogen storage disease type III. Last evaluated: 2021-07-15. Review status: criteria provided, single submitter. Criteria: ACMG Guidelines, 2015. Collection method: clinical testing. Allele origin: germline. Affected: no.

Mendelics
Classification: Pathogenic for Glycogen storage disease type III. Last evaluated: 2019-05-28. Review status: criteria provided, single submitter. Criteria: Mendelics Assertion Criteria 2017. Collection method: clinical testing. Allele origin: unknown.

Counsyl
Classification: Likely pathogenic for Glycogen storage disease type III. Last evaluated: 2017-03-31. Review status: no assertion criteria provided. Collection method: clinical testing. Allele origin: unknown. Not counted in ClinVar's aggregate classification.

Literature cited by the submitters: PubMed 31508908 (cited by Labcorp Genetics (formerly Invitae), Labcorp); PubMed 19299494 (cited by Labcorp Genetics (formerly Invitae), Labcorp).

NM_000642.3(AGL):c.2457_2460del (p.Gln820fs)

Gene: AGL (amylo-alpha-1,6-glucosidase and 4-alpha-glucanotransferase; plus strand). Cytogenetic location: 1p21.2.
Variant type: Deletion.
Coding change: c.2457_2460del on transcript NM_000642.3 (MANE Select); coding-DNA positions 2457 to 2460, 4 bases deleted (ACAA; older notation c.2457_2460delACAA).
Protein change: p.Gln820fs; shifts the reading frame from glutamine 820.
Molecular consequence: frameshift variant.
Genome position (GRCh38, 1-based): chr1:99,884,362-99,884,365, ACAA deleted; deleting any 4 consecutive bases within chr1:99,884,360-99,884,365 gives the same sequence; the c. name uses the placement nearest the transcript's 3' end. VCF-style (leftmost placement, unchanged base first): chr1-99884359-TAAAC-T. GRCh37 (hg19) VCF-style: chr1-100349915-TAAAC-T.
Other names: c.2457_2460del (NM_000642.2); c.2457_2460delACAA, p.Gln820Leufs (NM_000028.3, NM_000643.3, NM_000644.3 and 2 more transcripts); c.2409_2412delACAA, p.Gln804Leufs (NM_000646.3); c.2256_2259delACAA, p.Gln753Leufs (NM_001425327.1); c.2253_2256delACAA, p.Gln752Leufs (NM_001425328.1, NM_001425329.1); c.2079_2082delACAA, p.Gln694Leufs (NM_001425332.1); short protein forms Q820fs, Q804fs.
Identifiers: ClinVar variation 551333 (VCV000551333.10), dbSNP rs1553187237, ClinGen allele CA658821109.